The following is an entry in ClinVar:

NM_003982.4(SLC7A7):c.625+5G>T

Gene: SLC7A7 (solute carrier family 7 member 7; minus strand). Cytogenetic location: 14q11.2.
Variant type: single nucleotide variant.
Coding change: c.625+5G>T on transcript NM_003982.4 (MANE Select); 5 bases into the intron after coding-DNA position 625, G replaced by T.
Molecular consequence: intron variant.
Genome position (GRCh38, 1-based): chr14:22,779,921, C>A on the plus strand (G>T on the coding strand, the complement: SLC7A7 is on the minus strand). VCF-style: chr14-22779921-C-A. GRCh37 (hg19) VCF-style: chr14-23249130-C-A.
Other names: c.625+5G>T (NM_001126106.4, NM_001126105.3).
Identifiers: ClinVar variation 1511427 (VCV001511427.3), dbSNP rs2038685896, ClinGen allele CA2123137812.

ClinVar aggregate classification (germline): Uncertain significance (1 of 4 stars; one submission).

Conditions:
Lysinuric protein intolerance (LPI). Identifiers: Orphanet 470, MedGen C0268647, MONDO:0009109, OMIM 222700.

Allele frequency attached by ClinVar (database versions not stated): TOPMed below 0.00001.

Submission:

Labcorp Genetics (formerly Invitae), Labcorp
Classification: Uncertain significance for Lysinuric protein intolerance. Last evaluated: 2021-10-28. Review status: criteria provided, single submitter. Criteria: Invitae Variant Classification Sherloc (09022015). Collection method: clinical testing. Allele origin: germline.
Comment: This sequence change falls in intron 4 of the SLC7A7 gene. It does not directly change the encoded amino acid sequence of the SLC7A7 protein. It affects a nucleotide within the consensus splice site. This variant is not present in population databases (gnomAD no frequency). This variant has not been reported in the literature in individuals affected with SLC7A7-related conditions. Variants that disrupt the consensus splice site are a relatively common cause of aberrant splicing (PMID: 17576681, 9536098). Algorithms developed to predict the effect of sequence changes on RNA splicing suggest that this variant may disrupt the consensus splice site. In summary, the available evidence is currently insufficient to determine the role of this variant in disease. Therefore, it has been classified as a Variant of Uncertain Significance.

Literature cited by the submitters: PubMed 17576681; PubMed 9536098.